The following is an entry in ClinVar:

NM_001376.5(DYNC1H1):c.13006+4G>A

Gene: DYNC1H1 (dynein cytoplasmic 1 heavy chain 1; plus strand). Cytogenetic location: 14q32.31.
Variant type: single nucleotide variant.
Coding change: c.13006+4G>A on transcript NM_001376.5 (MANE Select); 4 bases into the intron after coding-DNA position 13006, G replaced by A.
Molecular consequence: intron variant.
Genome position (GRCh38, 1-based): chr14:102,044,702, G>A. VCF-style: chr14-102044702-G-A. GRCh37 (hg19) VCF-style: chr14-102511039-G-A.
Identifiers: ClinVar variation 663052 (VCV000663052.8), dbSNP rs1595633618, ClinGen allele CA915946446.

ClinVar aggregate classification (germline): Uncertain significance (1 of 4 stars; one submission).

Conditions:
Charcot-Marie-Tooth disease axonal type 2O. Also called: CHARCOT-MARIE-TOOTH NEUROPATHY, AXONAL, TYPE 2O; CHARCOT-MARIE-TOOTH DISEASE, AXONAL, AUTOSOMAL DOMINANT, TYPE 2O; Charcot-Marie-Tooth Neuropathy Type 2O; Charcot-Marie-Tooth disease, axonal, type 20. Identifiers: Orphanet 284232, MedGen C3280220, MONDO:0013644, OMIM 614228.

Submission:

Labcorp Genetics (formerly Invitae), Labcorp
Classification: Uncertain significance for Charcot-Marie-Tooth disease axonal type 2O. Last evaluated: 2022-07-26. Review status: criteria provided, single submitter. Criteria: Invitae Variant Classification Sherloc (09022015). Collection method: clinical testing. Allele origin: germline.
Comment: In summary, the available evidence is currently insufficient to determine the role of this variant in disease. Therefore, it has been classified as a Variant of Uncertain Significance. Variants that disrupt the consensus splice site are a relatively common cause of aberrant splicing (PMID: 17576681, 9536098). Algorithms developed to predict the effect of sequence changes on RNA splicing suggest that this variant is not likely to affect RNA splicing. ClinVar contains an entry for this variant (Variation ID: 663052). This variant has not been reported in the literature in individuals affected with DYNC1H1-related conditions. This variant is not present in population databases (gnomAD no frequency). This sequence change falls in intron 72 of the DYNC1H1 gene. It does not directly change the encoded amino acid sequence of the DYNC1H1 protein. It affects a nucleotide within the consensus splice site.

Literature cited by the submitters: PubMed 17576681; PubMed 9536098.